The following is an entry in ClinVar:

NM_007194.4(CHEK2):c.1408G>C (p.Asp470His)

Gene: CHEK2 (checkpoint kinase 2; minus strand). Cytogenetic location: 22q12.1.
Variant type: single nucleotide variant.
Coding change: c.1408G>C on transcript NM_007194.4 (MANE Select); coding-DNA position 1408, G replaced by C.
Protein change: p.Asp470His; replaces aspartic acid 470 with histidine.
Molecular consequence: missense variant.
Genome position (GRCh38, 1-based): chr22:28,694,085, C>G on the plus strand (G>C on the coding strand, the complement: CHEK2 is on the minus strand). VCF-style: chr22-28694085-C-G. GRCh37 (hg19) VCF-style: chr22-29090073-C-G.
Other names: c.1537G>C, p.Asp513His (NM_001005735.3); c.745G>C, p.Asp249His (NM_001257387.3); c.1207G>C, p.Asp403His (NM_001349956.3); c.1321G>C, p.Asp441His (NM_145862.3); short protein forms D470H, D249H, D441H, D403H, D513H.
Identifiers: ClinVar variation 230209 (VCV000230209.24), dbSNP rs876658449, ClinGen allele CA10581027.

ClinVar aggregate classification (germline): Uncertain significance. Review status: criteria provided, multiple submitters, no conflicts (2 of 4 stars). 6 submissions from 6 submitters: Uncertain significance (6). Last evaluated 2025-12-19.

Conditions:
Hereditary cancer-predisposing syndrome. Also called: Hereditary neoplastic syndrome; Hereditary Cancer Syndrome; Neoplastic Syndromes, Hereditary; Tumor predisposition. Identifiers: Orphanet 140162, MedGen C0027672, MeSH D009386, MONDO:0015356.
Familial cancer of breast. Also called: Hereditary breast cancer; BREAST CANCER, FAMILIAL; hereditary breast carcinoma. Identifiers: Orphanet 227535, MedGen C0346153, MONDO:0016419, OMIM 114480. Disease mechanism: loss of function.

Submissions (6):

Labcorp Genetics (formerly Invitae), Labcorp
Classification: Uncertain significance for Familial cancer of breast. Last evaluated: 2025-12-19. Review status: criteria provided, single submitter. Criteria: Invitae Variant Classification Sherloc (09022015). Collection method: clinical testing. Allele origin: germline.
Comment: This sequence change replaces aspartic acid, which is acidic and polar, with histidine, which is basic and polar, at codon 470 of the CHEK2 protein (p.Asp470His). This variant is not present in population databases (gnomAD no frequency). This variant has not been reported in the literature in individuals affected with CHEK2-related conditions. ClinVar contains an entry for this variant (Variation ID: 230209). An algorithm developed to predict the effect of missense changes on protein structure and function (PolyPhen-2) suggests that this variant is likely to be disruptive. Experimental studies have shown that this missense change does not substantially affect CHEK2 function (PMID: 37449874). In summary, the available evidence is currently insufficient to determine the role of this variant in disease. Therefore, it has been classified as a Variant of Uncertain Significance.

Color Diagnostics, LLC DBA Color Health
Classification: Uncertain significance for Hereditary cancer-predisposing syndrome. Last evaluated: 2024-12-23. Review status: criteria provided, single submitter. Criteria: ACMG Guidelines, 2015. Collection method: clinical testing. Allele origin: germline.
Comment: This missense variant replaces aspartic acid with histidine at codon 470 of the CHEK2 protein. Computational prediction is inconclusive regarding the impact of this variant on protein structure and function. Experimental functional studies have reported this variant functions like wild-type CHEK2 in KAP1 and CHK2 kinase assays (PMID: 37449874). This variant has not been reported in individuals affected with CHEK2-related disorders in the literature. This variant has not been identified in the general population by the Genome Aggregation Database (gnomAD). The available evidence is insufficient to determine the role of this variant in disease conclusively. Therefore, this variant is classified as a Variant of Uncertain Significance.

Ambry Genetics
Classification: Uncertain significance for Hereditary cancer-predisposing syndrome. Last evaluated: 2024-06-07. Review status: criteria provided, single submitter. Criteria: Ambry Variant Classification Scheme 2023. Collection method: clinical testing. Allele origin: germline.
Comment: The p.D470H variant (also known as c.1408G>C), located in coding exon 12 of the CHEK2 gene, results from a G to C substitution at nucleotide position 1408. The aspartic acid at codon 470 is replaced by histidine, an amino acid with similar properties. This alteration was detected in 1/5589 German BRCA1/2-negative probands with breast cancer (Hauke J et al. Cancer Med, 2018 Apr;7:1349-1358). This alteration was also reported as functional in a study assessing CHEK2-complementation through quantification of KAP1 phosphorylation and CHK2 autophosphorylation in human RPE1-CHEK2-knockout cells (Stolarova L et al. Clin Cancer Res, 2023 Aug;29:3037-3050). This amino acid position is highly conserved in available vertebrate species. In addition, this alteration is predicted to be deleterious by in silico analysis. Based on the available evidence, the clinical significance of this variant remains unclear.

Baylor Genetics
Classification: Uncertain significance for Familial cancer of breast. Last evaluated: 2023-10-26. Review status: criteria provided, single submitter. Criteria: ACMG Guidelines, 2015. Collection method: clinical testing. Allele origin: unknown.

GeneDx
Classification: Uncertain significance. Last evaluated: 2022-01-07. Review status: criteria provided, single submitter. Criteria: GeneDx Variant Classification Process June 2021. Collection method: clinical testing. Allele origin: germline. Affected: yes.
Comment: Not observed at significant frequency in large population cohorts (gnomAD); In silico analysis supports that this missense variant has a deleterious effect on protein structure/function; Observed in an individual with breast cancer (Hauke 2018); This variant is associated with the following publications: (PMID: 29522266, 22419737, 19782031)

Quest Diagnostics Nichols Institute San Juan Capistrano
Classification: Uncertain significance. Last evaluated: 2020-02-05. Review status: criteria provided, single submitter. Criteria: Quest Diagnostics criteria. Collection method: clinical testing. Allele origin: unknown.

Literature cited by the submitters: PubMed 37449874 (cited by 3 submitters); PubMed 29522266 (cited by Ambry Genetics).